The following is an entry in ClinVar:

NM_133433.4(NIPBL):c.2036C>T (p.Ser679Phe)

Gene: NIPBL (NIPBL cohesin loading factor; plus strand). Cytogenetic location: 5p13.2.
Variant type: single nucleotide variant.
Coding change: c.2036C>T on transcript NM_133433.4 (MANE Select); coding-DNA position 2036, C replaced by T.
Protein change: p.Ser679Phe; replaces serine 679 with phenylalanine.
Molecular consequence: missense variant.
Genome position (GRCh38, 1-based): chr5:36,985,216, C>T. VCF-style: chr5-36985216-C-T. GRCh37 (hg19) VCF-style: chr5-36985318-C-T.
Other names: c.2036C>T, p.Ser679Phe (NM_015384.5); short protein forms S679F.
Identifiers: ClinVar variation 3637068 (VCV003637068.2).

ClinVar aggregate classification (germline): Uncertain significance (1 of 4 stars; one submission).

Conditions:
Cornelia de Lange syndrome 1 (CDLS1). Also called: Brachmann de Lange syndrome; NIPBL-Related Cornelia de Lange Syndrome; TYPUS DEGENERATIVUS AMSTELODAMENSIS. Identifiers: Orphanet 199, MedGen C4551851, MONDO:0007387, OMIM 122470.

Submission:

Labcorp Genetics (formerly Invitae), Labcorp
Classification: Uncertain significance for Cornelia de Lange syndrome 1. Last evaluated: 2024-08-14. Review status: criteria provided, single submitter. Criteria: Invitae Variant Classification Sherloc (09022015). Collection method: clinical testing. Allele origin: germline.
Comment: This sequence change replaces serine, which is neutral and polar, with phenylalanine, which is neutral and non-polar, at codon 679 of the NIPBL protein (p.Ser679Phe). This variant is not present in population databases (gnomAD no frequency). This variant has not been reported in the literature in individuals affected with NIPBL-related conditions. Invitae Evidence Modeling of protein sequence and biophysical properties (such as structural, functional, and spatial information, amino acid conservation, physicochemical variation, residue mobility, and thermodynamic stability) indicates that this missense variant is not expected to disrupt NIPBL protein function with a negative predictive value of 95%. In summary, the available evidence is currently insufficient to determine the role of this variant in disease. Therefore, it has been classified as a Variant of Uncertain Significance.